The following is an entry in ClinVar:

ClinVar aggregate classification (germline): Uncertain significance (1 of 4 stars; one submission).

Conditions:
Combined immunodeficiency due to DOCK8 deficiency (HIES2). Also called: HIES autosomal recessive; HYPER-IgE SYNDROME 2, AUTOSOMAL RECESSIVE, WITH RECURRENT INFECTIONS; DOCK8 Deficiency; Hyper-IgE recurrent infection syndrome, autosomal recessive; HYPER-IgE RECURRENT INFECTION SYNDROME 2, AUTOSOMAL RECESSIVE. Identifiers: Orphanet 217390, MedGen C4722305, MONDO:0009478, OMIM 243700.

Submission:

Labcorp Genetics (formerly Invitae), Labcorp
Classification: Uncertain significance for Combined immunodeficiency due to DOCK8 deficiency. Last evaluated: 2024-08-27. Review status: criteria provided, single submitter. Criteria: Invitae Variant Classification Sherloc (09022015). Collection method: clinical testing. Allele origin: germline.
Comment: This sequence change replaces valine, which is neutral and non-polar, with leucine, which is neutral and non-polar, at codon 62 of the DOCK8 protein (p.Val62Leu). This variant is not present in population databases (gnomAD no frequency). This variant has not been reported in the literature in individuals affected with DOCK8-related conditions. Invitae Evidence Modeling of protein sequence and biophysical properties (such as structural, functional, and spatial information, amino acid conservation, physicochemical variation, residue mobility, and thermodynamic stability) indicates that this missense variant is not expected to disrupt DOCK8 protein function with a negative predictive value of 80%. In summary, the available evidence is currently insufficient to determine the role of this variant in disease. Therefore, it has been classified as a Variant of Uncertain Significance.

NM_203447.4(DOCK8):c.184G>T (p.Val62Leu)

Genes: DOCK8 (dedicator of cytokinesis 8; plus strand), LOC126860552 (BRD4-independent group 4 enhancer GRCh37_chr9:285795-286994; plus strand). Cytogenetic location: 9p24.3.
Variant type: single nucleotide variant.
Coding change: c.184G>T on transcript NM_203447.4 (MANE Select); coding-DNA position 184, G replaced by T.
Protein change: p.Val62Leu; replaces valine 62 with leucine.
Molecular consequence: missense variant. On other transcripts: 5 prime UTR variant (2).
Genome position (GRCh38, 1-based): chr9:286,488, G>T. VCF-style: chr9-286488-G-T. GRCh37 (hg19) VCF-style: chr9-286488-G-T.
Other names: c.-21G>T (NM_001190458.2, NM_001193536.2); short protein forms V62L.
Identifiers: ClinVar variation 3663549 (VCV003663549.2).